The following is an entry in ClinVar:

NM_005609.4(PYGM):c.1091dup (p.Ala365fs)

Gene: PYGM (glycogen phosphorylase, muscle associated; minus strand). Cytogenetic location: 11q13.1.
Variant type: Duplication.
Coding change: c.1091dup on transcript NM_005609.4 (MANE Select); coding-DNA position 1091, one base duplicated (A; older notation c.1091dupA).
Protein change: p.Ala365fs; shifts the reading frame from alanine 365.
Molecular consequence: frameshift variant.
Genome position (GRCh38, 1-based): chr11:64,754,254, T duplicated on the plus strand (A on the coding strand, the reverse complement: PYGM is on the minus strand); the first of 2 consecutive T bases (chr11:64,754,254-64,754,255); duplicating either gives the same sequence. VCF-style (leftmost placement, unchanged base first): chr11-64754253-C-CT. GRCh37 (hg19) VCF-style: chr11-64521725-C-CT.
Other names: c.827dup, p.Ala277fs (NM_001164716.1); short protein forms A277fs, A365fs.
Identifiers: ClinVar variation 5013472 (VCV005013472.1).

ClinVar aggregate classification (germline): Pathogenic (1 of 4 stars; one submission).

Conditions:
Glycogen storage disease, type V (GSD5). Also called: MCARDLE DISEASE; MUSCLE GLYCOGEN PHOSPHORYLASE DEFICIENCY; MYOPHOSPHORYLASE DEFICIENCY; PYGM DEFICIENCY; McArdle type glycogen storage disease. Identifiers: Orphanet 368, MedGen C0017924, MONDO:0009293, OMIM 232600.

Submission:

Myriad Genetics, Inc.
Classification: Pathogenic for Glycogen storage disease, type V. Last evaluated: 2024-08-20. Review status: criteria provided, single submitter. Criteria: Myriad Autosomal Dominant, Autosomal Recessive and X-Linked Classification Criteria (2023). Collection method: clinical testing. Allele origin: unknown.
Comment: NM_005609.2(PYGM):c.1091dupA(A365Gfs*110) is expected to be pathogenic in the context of glycogen storage disease, PYGM-related. This variant is predicted to lead to an abnormal or absent protein product due to the creation of a premature termination codon in PYGM, a gene where loss-of-function variants are known to be pathogenic. Please note: this variant was assessed in the context of healthy population screening.